The following is an entry in ClinVar:

ClinVar aggregate classification (germline): Pathogenic (1 of 4 stars; one submission).

Submission:

Labcorp Genetics (formerly Invitae), Labcorp
Classification: Pathogenic. Last evaluated: 2023-09-30. Review status: criteria provided, single submitter. Criteria: Invitae Variant Classification Sherloc (09022015). Collection method: clinical testing. Allele origin: germline.
Comment: This variant is a gross deletion of the genomic region encompassing a regulatory region (HS40) located approximately 40kb upstream of the alpha globin gene cluster. It does not change the encoded amino acid sequence of the HBA1 or HBA2 proteins, but has been reported to affect alpha globin gene expression. This variant has been observed in individuals with alpha-thalassemia and HbH disease (PMID: 20110179, 20580289, 20864588, 26915575). It has also been observed to segregate with disease in related individuals. Experimental studies have shown that deletion of this regulatory region (known as HS40, MCS-2, MCS-R, and MSC-R2) results in severely reduced, although not absent, alpha-globin gene expression (PMID: 7620173, 2253879, 8248238, 19696202). For these reasons, this variant has been classified as Pathogenic.

Literature cited by the submitters: PubMed 20110179; PubMed 20580289; PubMed 20864588; PubMed 26915575; PubMed 7620173; PubMed 2253879; PubMed 8248238; PubMed 19696202.

NC_000016.9:g.(?_97132)_(193701_?)del

Genes: HBA2 (hemoglobin subunit alpha 2; plus strand), MPG (N-methylpurine DNA glycosylase; plus strand), NPRL3 (NPR3 like, GATOR1 complex subunit; minus strand), POLR3K (RNA polymerase III subunit K; minus strand), RHBDF1 (rhomboid 5 homolog 1; minus strand) and 1 more. Cytogenetic location: 16p13.3.
Variant type: Deletion.
Identifiers: ClinVar variation 831357 (VCV000831357.3).